The following is an entry in ClinVar:

ClinVar aggregate classification (germline): Uncertain significance (1 of 4 stars; one submission).

Submission:

Labcorp Genetics (formerly Invitae), Labcorp
Classification: Uncertain significance. Last evaluated: 2024-10-25. Review status: criteria provided, single submitter. Criteria: Invitae Variant Classification Sherloc (09022015). Collection method: clinical testing. Allele origin: germline.
Comment: This sequence change replaces proline, which is neutral and non-polar, with glutamine, which is neutral and polar, at codon 103 of the SET protein (p.Pro103Gln). This variant is not present in population databases (gnomAD no frequency). This variant has not been reported in the literature in individuals affected with SET-related conditions. An algorithm developed to predict the effect of missense changes on protein structure and function (PolyPhen-2) suggests that this variant is likely to be disruptive. In summary, the available evidence is currently insufficient to determine the role of this variant in disease. Therefore, it has been classified as a Variant of Uncertain Significance.

NM_003011.4(SET):c.269C>A (p.Pro90Gln)

Gene: SET (SET nuclear proto-oncogene; plus strand). Cytogenetic location: 9q34.11.
Variant type: single nucleotide variant.
Coding change: c.269C>A on transcript NM_003011.4 (MANE Select); coding-DNA position 269, C replaced by A.
Protein change: p.Pro90Gln; replaces proline 90 with glutamine.
Molecular consequence: missense variant.
Genome position (GRCh38, 1-based): chr9:128,691,995, C>A. VCF-style: chr9-128691995-C-A. GRCh37 (hg19) VCF-style: chr9-131454274-C-A.
Other names: c.308C>A, p.Pro103Gln (NM_001122821.2, NM_001374326.1); c.242C>A, p.Pro81Gln (NM_001248000.2); c.236C>A, p.Pro79Gln (NM_001248001.2); short protein forms P79Q, P81Q, P90Q, P103Q.
Identifiers: ClinVar variation 3723787 (VCV003723787.2).